The following is an entry in ClinVar:

ClinVar aggregate classification (germline): Uncertain significance. Review status: criteria provided, single submitter (1 of 4 stars). 2 submissions from 2 submitters: Uncertain significance (1). 1 of the submissions does not count toward it. Last evaluated 2025-01-31.

Conditions:
Deficiency of butyryl-CoA dehydrogenase (ACADSD). Also called: SCADH DEFICIENCY; ACADS DEFICIENCY; Short-Chain Acyl-CoA Dehydrogenase Deficiency; SCAD DEFICIENCY, MILD; ACYL-CoA DEHYDROGENASE, SHORT-CHAIN, DEFICIENCY OF; SCAD Deficiency. Identifiers: Orphanet 26792, MedGen C0342783, MONDO:0008722, OMIM 201470. Disease mechanism: May be benign.

Allele frequency attached by ClinVar (database versions not stated): gnomAD exomes below 0.00001; ExAC 0.00001.
gnomAD v4.1: 2 of 1,614,180 alleles (0.00012%); highest among the groups gnomAD compares: East Asian, 0.0045%; no homozygotes.

Submissions (2):

Women's Health and Genetics/Laboratory Corporation of America, LabCorp
Classification: Uncertain significance. Last evaluated: 2025-01-31. Review status: criteria provided, single submitter. Criteria: LabCorp Variant Classification Summary - May 2015. Collection method: clinical testing. Allele origin: germline.
Comment: Variant summary: ACADS c.431C>T (p.Thr144Ile) results in a non-conservative amino acid change in the encoded protein sequence. Three of five in-silico tools predict a damaging effect of the variant on protein function. The variant allele was found at a frequency of 4e-06 in 251340 control chromosomes. The available data on variant occurrences in the general population are insufficient to allow any conclusion about variant significance. c.431C>T has been reported in the literature (example: Huang_2016). This report however, does not provide unequivocal conclusions about association of the variant with Deficiency Of Butyryl-CoA Dehydrogenase. To our knowledge, no experimental evidence demonstrating an impact on protein function has been reported. The following publication has been ascertained in the context of this evaluation (PMID: 27938594). ClinVar contains an entry for this variant (Variation ID: 555418). Based on the evidence outlined above, the variant was classified as uncertain significance.

Counsyl
Classification: Uncertain significance for Deficiency of butyryl-CoA dehydrogenase. Last evaluated: 2017-12-07. Review status: no assertion criteria provided. Collection method: clinical testing. Allele origin: unknown. Not counted in ClinVar's aggregate classification.

Literature cited by the submitters: PubMed 27938594 (cited by Women's Health and Genetics/Laboratory Corporation of America, LabCorp and Counsyl).

NM_000017.4(ACADS):c.431C>T (p.Thr144Ile)

Gene: ACADS (acyl-CoA dehydrogenase short chain; plus strand). Cytogenetic location: 12q24.31.
Variant type: single nucleotide variant.
Coding change: c.431C>T on transcript NM_000017.4 (MANE Select); coding-DNA position 431, C replaced by T.
Protein change: p.Thr144Ile; replaces threonine 144 with isoleucine.
Molecular consequence: missense variant.
Genome position (GRCh38, 1-based): chr12:120,737,426, C>T. VCF-style: chr12-120737426-C-T. GRCh37 (hg19) VCF-style: chr12-121175229-C-T.
Other names: c.431C>T, p.Thr144Ile (NM_001302554.2); short protein forms T144I.
Identifiers: ClinVar variation 555418 (VCV000555418.4), dbSNP rs764413160, ClinGen allele CA6830884.
Genomic context (GRCh38, chr12:120,737,426, plus strand): 5'-TGGGGCCCATCTTGAAGTTTGGCTCCAAGGAGCAGAAGCAGGCGTGGGTCACGCCTTTCA[C>T]CAGTGGTGACAAAATTGGCTGCTTTGCCCTCAGCGAACCAGGTACCTGCCCTGTCCCCTC-3'
Protein context (NP_000008.1, residues 134-154): EQKQAWVTPF[Thr144Ile]SGDKIGCFAL